The following is an entry in ClinVar:

ClinVar aggregate classification (germline): Uncertain significance (1 of 4 stars; one submission).

Conditions:
SEMA3G-related disorder. Also called: SEMA3G-related condition.

gnomAD v4.1: 1 of 1,614,106 alleles (0.000062%); highest among the groups gnomAD compares: Non-Finnish European, 0.000085%; no homozygotes.

Submission:

PreventionGenetics, part of Exact Sciences
Classification: Uncertain significance for SEMA3G-related condition. Last evaluated: 2025-05-23. Review status: criteria provided, single submitter. Criteria: ACMG Guidelines, 2015. Collection method: clinical testing. Allele origin: germline.
Comment: The SEMA3G c.277G>A variant is predicted to result in the amino acid substitution p.Val93Ile. To our knowledge, this variant has not been reported in the literature or in a large population database (gnomAD), indicating this variant is rare. At this time, the clinical significance of this variant is uncertain due to the absence of conclusive functional and genetic evidence.

NM_020163.3(SEMA3G):c.277G>A (p.Val93Ile)

Gene: SEMA3G (semaphorin 3G; minus strand). Cytogenetic location: 3p21.1.
Variant type: single nucleotide variant.
Coding change: c.277G>A on transcript NM_020163.3 (MANE Select); coding-DNA position 277, G replaced by A.
Protein change: p.Val93Ile; replaces valine 93 with isoleucine.
Molecular consequence: missense variant.
Genome position (GRCh38, 1-based): chr3:52,442,621, C>T on the plus strand (G>A on the coding strand, the complement: SEMA3G is on the minus strand). VCF-style: chr3-52442621-C-T. GRCh37 (hg19) VCF-style: chr3-52476637-C-T.
Other names: short protein forms V93I.
Identifiers: ClinVar variation 5001046 (VCV005001046.1).
Genomic context (GRCh38, chr3:52,442,621, plus strand): 5'-AAGGATCTCTTCCCTTTCGAACACACTCCTCCCTCTGTCCTGGCTGCGGTGGCCACAGGA[C>T]CTGGAACACAGCCCCGCTGACCTCAGGTCCTCCCCTGATCTCACAGGCTCAGTTTCCCCA-3'
Protein context (NP_064548.1, residues 83-103): LDQAWPDPRE[Val93Ile]LWPPQPGQRE